The following is an entry in ClinVar:

NM_000396.4(CTSK):c.426del (p.Phe142fs)

Gene: CTSK (cathepsin K; minus strand). Cytogenetic location: 1q21.3.
Variant type: Deletion.
Coding change: c.426del on transcript NM_000396.4 (MANE Select); coding-DNA position 426, one base deleted (T; older notation c.426delT).
Protein change: p.Phe142fs; shifts the reading frame from phenylalanine 142.
Molecular consequence: frameshift variant.
Genome position (GRCh38, 1-based): chr1:150,804,213, A deleted on the plus strand (T on the coding strand, the reverse complement: CTSK is on the minus strand); the first of 4 consecutive A bases (chr1:150,804,213-150,804,216); deleting any one gives the same sequence. VCF-style (leftmost placement, unchanged base first): chr1-150804212-TA-T. GRCh37 (hg19) VCF-style: chr1-150776688-TA-T.
Other names: short protein forms F142fs.
Identifiers: ClinVar variation 370473 (VCV000370473.8), dbSNP rs1057516514, ClinGen allele CA16040656.

ClinVar aggregate classification (germline): Pathogenic. Review status: criteria provided, single submitter (1 of 4 stars). 2 submissions from 2 submitters: Pathogenic (1). 1 of the submissions does not count toward it. Last evaluated 2023-07-24.

Conditions:
Pyknodysostosis. Also called: Pycnodysostosis. Identifiers: Orphanet 763, MedGen C0238402, MONDO:0009940, OMIM 265800.

Submissions (2):

Labcorp Genetics (formerly Invitae), Labcorp
Classification: Pathogenic. Last evaluated: 2023-07-24. Review status: criteria provided, single submitter. Criteria: Invitae Variant Classification Sherloc (09022015). Collection method: clinical testing. Allele origin: germline.
Comment: This sequence change creates a premature translational stop signal (p.Phe142Leufs*19) in the CTSK gene. It is expected to result in an absent or disrupted protein product. Loss-of-function variants in CTSK are known to be pathogenic (PMID: 12125807, 21569238). This variant is not present in population databases (gnomAD no frequency). This premature translational stop signal has been observed in individuals with pycnodysostosis (PMID: 10634420, 28328823). This variant is also known as 531delT. ClinVar contains an entry for this variant (Variation ID: 370473). For these reasons, this variant has been classified as Pathogenic.

Counsyl
Classification: Likely pathogenic for Pyknodysostosis. Last evaluated: 2016-02-17. Review status: no assertion criteria provided. Collection method: clinical testing. Allele origin: unknown. Not counted in ClinVar's aggregate classification.

Literature cited by the submitters: PubMed 12125807 (cited by Labcorp Genetics (formerly Invitae), Labcorp); PubMed 21569238 (cited by Labcorp Genetics (formerly Invitae), Labcorp); PubMed 10634420 (cited by Labcorp Genetics (formerly Invitae), Labcorp and Counsyl); PubMed 28328823 (cited by Labcorp Genetics (formerly Invitae), Labcorp).